The following is an entry in ClinVar:

NM_001848.3(COL6A1):c.428+14_428+15delinsGA

Gene: COL6A1 (collagen type VI alpha 1 chain; plus strand). Cytogenetic location: 21q22.3.
Variant type: Indel.
Coding change: c.428+14_428+15delinsGA on transcript NM_001848.3 (MANE Select); bases 14 to 15 of the intron after coding-DNA position 428, AG replaced by GA.
Molecular consequence: intron variant.
Genome position (GRCh38, 1-based): chr21:45,984,483-45,984,484, AG replaced by GA. VCF-style: chr21-45984483-AG-GA. GRCh37 (hg19) VCF-style: chr21-47404397-AG-GA.
Identifiers: ClinVar variation 2125088 (VCV002125088.4), dbSNP rs2526310960, ClinGen allele CA2580098905.

ClinVar aggregate classification (germline): Uncertain significance (1 of 4 stars; one submission).

Conditions:
Bethlem myopathy 1A. Also called: MYOPATHY, BENIGN CONGENITAL, WITH CONTRACTURES; Bethlem myopathy 1; Bethlem Muscular Dystrophy. Identifiers: Orphanet 610, MedGen CN029274, MONDO:0024530, OMIM 158810.

Submission:

Labcorp Genetics (formerly Invitae), Labcorp
Classification: Uncertain significance for Bethlem myopathy 1A. Last evaluated: 2025-04-14. Review status: criteria provided, single submitter. Criteria: Invitae Variant Classification Sherloc (09022015). Collection method: clinical testing. Allele origin: germline.
Comment: This sequence change falls in intron 3 of the COL6A1 gene. It does not directly change the encoded amino acid sequence of the COL6A1 protein. Information on the frequency of this variant in the gnomAD database is not available, as this variant may be reported differently in the database. This variant has not been reported in the literature in individuals affected with COL6A1-related conditions. ClinVar contains an entry for this variant (Variation ID: 2125088). Experimental studies and prediction algorithms are not available or were not evaluated, and the effect of this variant on mRNA splicing is currently unknown. In summary, the available evidence is currently insufficient to determine the role of this variant in disease. Therefore, it has been classified as a Variant of Uncertain Significance.